The following is an entry in ClinVar:

NM_004329.3(BMPR1A):c.675+4A>G

Gene: BMPR1A (bone morphogenetic protein receptor type 1A; plus strand). Cytogenetic location: 10q23.2.
Variant type: single nucleotide variant.
Coding change: c.675+4A>G on transcript NM_004329.3 (MANE Select); 4 bases into the intron after coding-DNA position 675, A replaced by G.
Molecular consequence: intron variant.
Genome position (GRCh38, 1-based): chr10:86,912,388, A>G. VCF-style: chr10-86912388-A-G. GRCh37 (hg19) VCF-style: chr10-88672145-A-G.
Identifiers: ClinVar variation 1303375 (VCV001303375.3), dbSNP rs2133546398, ClinGen allele CA2573053340.
Genomic context (GRCh38, chr10:86,912,388, plus strand): 5'-AAAGACCTTATTGACCAGTCACAAAGTTCTGGTAGTGGGTCTGGACTACCTTTATTGGTA[A>G]GTTAAACGTTCCTATAGACATGAATGGTGTGTTGATTTAGAATGTGTCCTCATGATGGTG-3'

ClinVar aggregate classification (germline): Uncertain significance. Review status: criteria provided, multiple submitters, no conflicts (2 of 4 stars). 2 submissions from 2 submitters: Uncertain significance (2). Last evaluated 2025-07-13.

Conditions:
Juvenile polyposis syndrome (JPS). Identifiers: Orphanet 2929, MedGen C0345893, MONDO:0017380, OMIM 174900.

Allele frequency attached by ClinVar (database versions not stated): gnomAD exomes 0.00001.
gnomAD v4.1: 3 of 1,613,986 alleles (0.00019%); highest among the groups gnomAD compares: South Asian, 0.0033%; no homozygotes.

Submissions (2):

Labcorp Genetics (formerly Invitae), Labcorp
Classification: Uncertain significance for Juvenile polyposis syndrome. Last evaluated: 2025-07-13. Review status: criteria provided, single submitter. Criteria: Invitae Variant Classification Sherloc (09022015). Collection method: clinical testing. Allele origin: germline.
Comment: This sequence change falls in intron 8 of the BMPR1A gene. It does not directly change the encoded amino acid sequence of the BMPR1A protein. It affects a nucleotide within the consensus splice site. This variant is not present in population databases (gnomAD no frequency). This variant has not been reported in the literature in individuals affected with BMPR1A-related conditions. ClinVar contains an entry for this variant (Variation ID: 1303375). Variants that disrupt the consensus splice site are a relatively common cause of aberrant splicing (PMID: 17576681, 9536098). Algorithms developed to predict the effect of sequence changes on RNA splicing suggest that this variant is not likely to affect RNA splicing. In summary, the available evidence is currently insufficient to determine the role of this variant in disease. Therefore, it has been classified as a Variant of Uncertain Significance.

GeneDx
Classification: Uncertain significance. Last evaluated: 2016-09-20. Review status: criteria provided, single submitter. Criteria: GeneDx Variant Classification Process June 2021. Collection method: clinical testing. Allele origin: germline. Affected: yes.
Comment: Not observed in large population cohorts (Lek et al., 2016); Has not been previously published as pathogenic or benign to our knowledge; In-silico analysis is inconclusive as to whether the variant alters gene splicing. In the absence of RNA/functional studies, the actual effect of this sequence change is unknown

Literature cited by the submitters: PubMed 17576681 (cited by Labcorp Genetics (formerly Invitae), Labcorp); PubMed 9536098 (cited by Labcorp Genetics (formerly Invitae), Labcorp).